The following is an entry in ClinVar:

ClinVar aggregate classification (germline): Pathogenic (1 of 4 stars; one submission).

Conditions:
Odonto-onycho-dermal dysplasia. Identifiers: Orphanet 2721, MedGen C0796093, MONDO:0009773, OMIM 257980.
Tooth agenesis, selective, 4 (STHAG4). Also called: SUCCEDANEOUS TEETH, AGENESIS OF; LATERAL INCISORS, ABSENCE OF; LATERAL INCISORS, PEGGED OR MISSING; TOOTH AGENESIS, SELECTIVE, 4, WITH OR WITHOUT ECTODERMAL DYSPLASIA. Identifiers: Orphanet 99798, MedGen C1835492, MONDO:0007881, OMIM 150400. Disease mechanism: loss of function.

Submission:

Labcorp Genetics (formerly Invitae), Labcorp
Classification: Pathogenic for Tooth agenesis, selective, 4; Odonto-onycho-dermal dysplasia. Last evaluated: 2019-08-28. Review status: criteria provided, single submitter. Criteria: Invitae Variant Classification Sherloc (09022015). Collection method: clinical testing. Allele origin: germline.
Comment: This variant has been reported in an individual affected with ectodermal derivative impairment (PMID: 28976000). For these reasons, this variant has been classified as Pathogenic. This variant disrupts the C-terminus of the WNT10A protein. Other variant(s) that disrupt this region (p.Cys376*) have been determined to be pathogenic (PMID: 19559398). This suggests that variants that disrupt this region of the protein are likely to be causative of disease. While this variant is not present in population databases, the frequency information is unreliable, as metrics indicate poor data quality at this position in the ExAC database. This sequence change results in a frameshift in the WNT10A gene (p.Ala317Glyfs*111). While this is not anticipated to result in nonsense mediated decay, it is expected to disrupt the last 102 amino acids of the WNT10A protein and extend the protein by an additional nine amino acids.

Literature cited by the submitters: PubMed 28976000; PubMed 19559398.

NM_025216.3(WNT10A):c.949dup (p.Ala317fs)

Gene: WNT10A (Wnt family member 10A; plus strand). Cytogenetic location: 2q35.
Variant type: Duplication.
Coding change: c.949dup on transcript NM_025216.3 (MANE Select); coding-DNA position 949, one base duplicated (G; older notation c.949dupG).
Protein change: p.Ala317fs; shifts the reading frame from alanine 317.
Molecular consequence: frameshift variant.
Genome position (GRCh38, 1-based): chr2:218,892,966, G duplicated; the last of 5 consecutive G bases (chr2:218,892,962-218,892,966); duplicating any one gives the same sequence. VCF-style (leftmost placement, unchanged base first): chr2-218892961-C-CG. GRCh37 (hg19) VCF-style: chr2-219757683-C-CG.
Other names: c.949dupG (NM_025216.2); short protein forms A317fs.
Identifiers: ClinVar variation 661181 (VCV000661181.11), dbSNP rs775990266, ClinGen allele CA915941720.